The following is an entry in ClinVar:

NM_014252.4(SLC25A15):c.91G>C (p.Asp31His)

Gene: SLC25A15 (solute carrier family 25 member 15; plus strand). Cytogenetic location: 13q14.11.
Variant type: single nucleotide variant.
Coding change: c.91G>C on transcript NM_014252.4 (MANE Select); coding-DNA position 91, G replaced by C.
Protein change: p.Asp31His; replaces aspartic acid 31 with histidine.
Molecular consequence: missense variant. On other transcripts: non-coding transcript variant (2).
Genome position (GRCh38, 1-based): chr13:40,799,092, G>C. VCF-style: chr13-40799092-G-C. GRCh37 (hg19) VCF-style: chr13-41373228-G-C.
Other names: short protein forms D31H.
Identifiers: ClinVar variation 423570 (VCV000423570.2), dbSNP rs759454598, ClinGen allele CA16619808.

ClinVar aggregate classification (germline): Likely pathogenic (1 of 4 stars; one submission).

Submission:

GeneDx
Classification: Likely pathogenic. Last evaluated: 2017-02-13. Review status: criteria provided, single submitter. Criteria: GeneDx Variant Classification (06012015). Collection method: clinical testing. Allele origin: germline. Affected: yes.
Comment: The D31H variant has not been published as a pathogenic variant, nor has it been reported as a benign variant to our knowledge. The D31H variant is not observed in large population cohorts (Lek et al., 2016; 1000 Genomes Consortium et al., 2015; Exome Variant Server). The D31H variant is a non-conservative amino acid substitution, which is likely to impact secondary protein structure as these residues differ in polarity, charge, size and/or other properties. This substitution occurs at a position that is conserved across species, and the Aspartic Acid at position 31 is part of a network of salt bridges in the mitochondrial ornithine transporter 1 protein (Palmieri et al. 2014). In silico analysis predicts this variant is probably damaging to the protein structure/function. In summary, this variant is likely pathogenic; however, the possibility that it is benign cannot be excluded.